The following is an entry in ClinVar:

ClinVar aggregate classification (germline): Likely pathogenic. Review status: criteria provided, multiple submitters, no conflicts (2 of 4 stars). 2 submissions from 2 submitters: Likely pathogenic (2). Last evaluated 2021-03-11.

Conditions:
PCDH15-related disorder. Also called: PCDH15-related condition; PCDH15-related disorders.

Submissions (2):

Blueprint Genetics
Classification: Likely pathogenic for PCDH15-related disorders. Last evaluated: 2021-03-11. Review status: criteria provided, single submitter. Criteria: ACMG Guidelines, 2015. Collection method: clinical testing. Allele origin: germline. Affected: yes. Observed: 1 variant allele.

Labcorp Genetics (formerly Invitae), Labcorp
Classification: Likely pathogenic. Last evaluated: 2020-08-07. Review status: criteria provided, single submitter. Criteria: Invitae Variant Classification Sherloc (09022015). Collection method: clinical testing. Allele origin: germline.
Comment: This sequence change affects an acceptor splice site in intron 29 of the PCDH15 gene. It is expected to disrupt RNA splicing and likely results in an absent or disrupted protein product. This variant is not present in population databases (ExAC no frequency). This variant has not been reported in the literature in individuals with PCDH15-related conditions. Algorithms developed to predict the effect of sequence changes on RNA splicing suggest that this variant may disrupt the consensus splice site, but this prediction has not been confirmed by published transcriptional studies. Donor and acceptor splice site variants typically lead to a loss of protein function (PMID: 16199547), and loss-of-function variants in PCDH15 are known to be pathogenic (PMID: 11398101, 11487575, 14570705). In summary, the currently available evidence indicates that the variant is pathogenic, but additional data are needed to prove that conclusively. Therefore, this variant has been classified as Likely Pathogenic.

Literature cited by the submitters: PubMed 16199547 (cited by Labcorp Genetics (formerly Invitae), Labcorp); PubMed 11398101 (cited by Labcorp Genetics (formerly Invitae), Labcorp); PubMed 11487575 (cited by Labcorp Genetics (formerly Invitae), Labcorp); PubMed 14570705 (cited by Labcorp Genetics (formerly Invitae), Labcorp).

NM_001384140.1(PCDH15):c.3984-1G>T

Gene: PCDH15 (protocadherin related 15; minus strand). Cytogenetic location: 10q21.1.
Variant type: single nucleotide variant.
Coding change: c.3984-1G>T on transcript NM_001384140.1 (MANE Select); the canonical splice acceptor site of the intron before coding-DNA position 3984, G replaced by T.
Molecular consequence: splice acceptor variant.
Genome position (GRCh38, 1-based): chr10:53,831,534, C>A on the plus strand (G>T on the coding strand, the complement: PCDH15 is on the minus strand). VCF-style: chr10-53831534-C-A. GRCh37 (hg19) VCF-style: chr10-55591294-C-A.
Other names: c.3984-1G>T (NM_001354420.2, NM_001354429.2, NM_001142772.2 and 4 more transcripts); c.3999-1G>T (NM_001142771.2, NM_001142763.2); c.4005-1G>T (NM_001354411.2); c.4020-1G>T (NM_001142769.3); c.3918-1G>T (NM_001354404.2, NM_001142773.2, NM_001142768.2); c.3873-1G>T (NM_001142767.2); c.3771-1G>T (NM_001142765.2).
Identifiers: ClinVar variation 1066240 (VCV001066240.8), dbSNP rs1057520709, ClinGen allele CA376528632.